The following is an entry in ClinVar:

ClinVar aggregate classification (germline): Uncertain significance (1 of 4 stars; one submission).

Conditions:
Encephalopathy, acute, infection-induced (herpes-specific), susceptibility to, 6. Also called: Herpes simplex encephalitis, susceptibility to, 4. Identifiers: Orphanet 1930, MedGen C3553869, MONDO:0013921, OMIM 614850.

Allele frequency attached by ClinVar (database versions not stated): gnomAD exomes 0.00001; TOPMed 0.00001.
gnomAD v4.1: 9 of 1,590,066 alleles (0.00057%); highest among the groups gnomAD compares: Non-Finnish European, 0.00077%; no homozygotes.

Submission:

Labcorp Genetics (formerly Invitae), Labcorp
Classification: Uncertain significance for Encephalopathy, acute, infection-induced (herpes-specific), susceptibility to, 6. Last evaluated: 2021-09-01. Review status: criteria provided, single submitter. Criteria: Invitae Variant Classification Sherloc (09022015). Collection method: clinical testing. Allele origin: germline.
Comment: This sequence change replaces alanine with glycine at codon 2 of the TICAM1 protein (p.Ala2Gly). The alanine residue is moderately conserved and there is a small physicochemical difference between alanine and glycine. This variant is not present in population databases (ExAC no frequency). This variant has not been reported in the literature in individuals affected with TICAM1-related conditions. Algorithms developed to predict the effect of missense changes on protein structure and function are either unavailable or do not agree on the potential impact of this missense change (SIFT: "Tolerated"; PolyPhen-2: "Possibly Damaging"; Align-GVGD: "Class C0"). In summary, the available evidence is currently insufficient to determine the role of this variant in disease. Therefore, it has been classified as a Variant of Uncertain Significance.

NM_182919.4(TICAM1):c.5C>G (p.Ala2Gly)

Gene: TICAM1 (TIR domain containing adaptor molecule 1; minus strand). Cytogenetic location: 19p13.3.
Variant type: single nucleotide variant.
Coding change: c.5C>G on transcript NM_182919.4 (MANE Select); coding-DNA position 5, C replaced by G.
Protein change: p.Ala2Gly; replaces alanine 2 with glycine.
Molecular consequence: missense variant. On other transcripts: intron variant (3).
Genome position (GRCh38, 1-based): chr19:4,818,373, G>C on the plus strand (C>G on the coding strand, the complement: TICAM1 is on the minus strand). VCF-style: chr19-4818373-G-C. GRCh37 (hg19) VCF-style: chr19-4818385-G-C.
Other names: c.-89-42C>G (NM_001385679.1); c.5-42C>G (NM_001385678.1); c.-72+11C>G (NM_001385680.1); short protein forms A2G.
Identifiers: ClinVar variation 1471097 (VCV001471097.5), dbSNP rs1242807777, ClinGen allele CA403493745.